The following is an entry in ClinVar:

NM_006070.6(TFG):c.320G>A (p.Arg107Gln)

Gene: TFG (trafficking from ER to golgi regulator; plus strand). Cytogenetic location: 3q12.2.
Variant type: single nucleotide variant.
Coding change: c.320G>A on transcript NM_006070.6 (MANE Select); coding-DNA position 320, G replaced by A.
Protein change: p.Arg107Gln; replaces arginine 107 with glutamine.
Molecular consequence: missense variant.
Genome position (GRCh38, 1-based): chr3:100,728,763, G>A. VCF-style: chr3-100728763-G-A. GRCh37 (hg19) VCF-style: chr3-100447607-G-A.
Other names: c.320G>A, p.Arg107Gln (NM_001007565.2, NM_001195478.2, NM_001195479.2); short protein forms R107Q.
Identifiers: ClinVar variation 1981615 (VCV001981615.24), dbSNP rs373307369, ClinGen allele CA2517050.

ClinVar aggregate classification (germline): Uncertain significance. Review status: criteria provided, multiple submitters, no conflicts (2 of 4 stars). 2 submissions from 2 submitters: Uncertain significance (2). Last evaluated 2026-01-12.

Conditions:
Hereditary motor and sensory neuropathy, Okinawa type (HMSNO). Also called: HEREDITARY MOTOR AND SENSORY NEUROPATHY, PROXIMAL TYPE. Identifiers: Orphanet 90117, MedGen C1858338, MONDO:0011468, OMIM 604484.
Hereditary spastic paraplegia 57. Also called: Spastic paraplegia 57, autosomal recessive. Identifiers: Orphanet 431329, MedGen C3714897, MONDO:0014295, OMIM 615658.

Allele frequency attached by ClinVar (database versions not stated): TOPMed below 0.00001; gnomAD 0.00001; gnomAD exomes 0.00001; ExAC 0.00003; ESP Exome Variant Server 0.00008.
gnomAD v4.1: 11 of 1,612,872 alleles (0.00068%); highest among the groups gnomAD compares: East Asian, 0.0022%; no homozygotes.

Submissions (2):

Labcorp Genetics (formerly Invitae), Labcorp
Classification: Uncertain significance for Hereditary motor and sensory neuropathy, Okinawa type; Hereditary spastic paraplegia 57. Last evaluated: 2026-01-12. Review status: criteria provided, single submitter. Criteria: Invitae Variant Classification Sherloc (09022015). Collection method: clinical testing. Allele origin: germline.
Comment: This sequence change replaces arginine, which is basic and polar, with glutamine, which is neutral and polar, at codon 107 of the TFG protein (p.Arg107Gln). This variant is present in population databases (rs373307369, gnomAD 0.007%). This variant has not been reported in the literature in individuals affected with TFG-related conditions. ClinVar contains an entry for this variant (Variation ID: 1981615). Invitae Evidence Modeling of protein sequence and biophysical properties (such as structural, functional, and spatial information, amino acid conservation, physicochemical variation, residue mobility, and thermodynamic stability) indicates that this missense variant is not expected to disrupt TFG protein function with a negative predictive value of 80%. In summary, the available evidence is currently insufficient to determine the role of this variant in disease. Therefore, it has been classified as a Variant of Uncertain Significance.

CeGaT Center for Human Genetics Tuebingen
Classification: Uncertain significance. Last evaluated: 2024-04-01. Review status: criteria provided, single submitter. Criteria: CeGaT Center For Human Genetics Tuebingen Variant Classification Criteria Version 2. Collection method: clinical testing. Allele origin: germline. Affected: yes. Observed: 1 variant allele.
Comment: TFG: PM2, PM5